The following is an entry in ClinVar:

NM_133372.3(FNIP1):c.2356G>A (p.Glu786Lys)

Gene: FNIP1 (folliculin interacting protein 1; minus strand). Cytogenetic location: 5q31.1.
Variant type: single nucleotide variant.
Coding change: c.2356G>A on transcript NM_133372.3 (MANE Select); coding-DNA position 2356, G replaced by A.
Protein change: p.Glu786Lys; replaces glutamic acid 786 with lysine.
Molecular consequence: missense variant.
Genome position (GRCh38, 1-based): chr5:131,672,088, C>T on the plus strand (G>A on the coding strand, the complement: FNIP1 is on the minus strand). VCF-style: chr5-131672088-C-T. GRCh37 (hg19) VCF-style: chr5-131007781-C-T.
Other names: c.2272G>A, p.Glu758Lys (NM_001008738.3); c.2221G>A, p.Glu741Lys (NM_001346114.2); short protein forms E741K, E758K, E786K.
Identifiers: ClinVar variation 1940477 (VCV001940477.5), dbSNP rs1767772856, ClinGen allele CA360790255.

ClinVar aggregate classification (germline): Uncertain significance (1 of 4 stars; one submission).

Submission:

Labcorp Genetics (formerly Invitae), Labcorp
Classification: Uncertain significance. Last evaluated: 2022-02-20. Review status: criteria provided, single submitter. Criteria: Invitae Variant Classification Sherloc (09022015). Collection method: clinical testing. Allele origin: germline.
Comment: In summary, the available evidence is currently insufficient to determine the role of this variant in disease. Therefore, it has been classified as a Variant of Uncertain Significance. Algorithms developed to predict the effect of missense changes on protein structure and function (SIFT, PolyPhen-2, Align-GVGD) all suggest that this variant is likely to be tolerated. This variant has not been reported in the literature in individuals affected with FNIP1-related conditions. This variant is not present in population databases (gnomAD no frequency). This sequence change replaces glutamic acid, which is acidic and polar, with lysine, which is basic and polar, at codon 786 of the FNIP1 protein (p.Glu786Lys).